The following is an entry in ClinVar:

NM_016180.5(SLC45A2):c.1280T>C (p.Leu427Pro)

Gene: SLC45A2 (solute carrier family 45 member 2; minus strand). Cytogenetic location: 5p13.2.
Variant type: single nucleotide variant.
Coding change: c.1280T>C on transcript NM_016180.5 (MANE Select); coding-DNA position 1280, T replaced by C.
Protein change: p.Leu427Pro; replaces leucine 427 with proline.
Molecular consequence: missense variant.
Genome position (GRCh38, 1-based): chr5:33,947,251, A>G on the plus strand (T>C on the coding strand, the complement: SLC45A2 is on the minus strand). VCF-style: chr5-33947251-A-G. GRCh37 (hg19) VCF-style: chr5-33947356-A-G.
Other names: c.1280T>C (NM_016180.4); c.1280T>C, p.Leu427Pro (NM_001012509.4); short protein forms L427P.
Identifiers: ClinVar variation 1451393 (VCV001451393.7), dbSNP rs759043037, ClinGen allele CA3225503.

ClinVar aggregate classification (germline): Pathogenic. Review status: criteria provided, multiple submitters, no conflicts (2 of 4 stars). 3 submissions from 3 submitters: Pathogenic (3). Last evaluated 2025-12-18.

Conditions:
Oculocutaneous albinism type 4 (OCA4). Also called: Albinism, oculocutaneous, type IV. Identifiers: Orphanet 79435, MedGen C1847836, MONDO:0011683, OMIM 606574.

Allele frequency attached by ClinVar (database versions not stated): TOPMed below 0.00001; ExAC 0.00003; gnomAD 0.00001; gnomAD exomes 0.00002 and 0.00001.
gnomAD v4.1: 20 of 1,614,134 alleles (0.0012%); highest among the groups gnomAD compares: Non-Finnish European, 0.0017%; no homozygotes.

Submissions (3):

3billion
Classification: Pathogenic for Oculocutaneous albinism type 4. Last evaluated: 2025-12-18. Review status: criteria provided, single submitter. Criteria: ACMG Guidelines, 2015. Collection method: clinical testing. Allele origin: germline. Affected: yes.
Comment: The variant is observed at an extremely low frequency in the gnomAD v4.1.0 dataset (total allele frequency: 0.001%). Predicted Consequence/Location: Missense variant In silico tool predictions suggest damaging effect of the variant on gene or gene product [REVEL: 0.84 (>=0.6, sensitivity 0.68 and specificity 0.92); 3Cnet: 0.78 (> 0.75, sensitivity 0.96 and precision 0.92)]. The same nucleotide change resulting in the same amino acid change has been previously reported as pathogenic/likely pathogenic with strong evidence (ClinVar ID: VCV001451393 /PMID: 20861488). The variant has been reported to be in trans with a pathogenic variant as either compound heterozygous or homozygous in at least one similarly affected unrelated individual (PMID: 27734839). Different missense changes at the same codon (p.Leu427Arg) has been reported to be associated with SLC45A2-related disorder (PMID: 29345414). Therefore, this variant is classified as Pathogenic according to the recommendation of ACMG/AMP guideline.

Labcorp Genetics (formerly Invitae), Labcorp
Classification: Pathogenic. Last evaluated: 2023-09-30. Review status: criteria provided, single submitter. Criteria: Invitae Variant Classification Sherloc (09022015). Collection method: clinical testing. Allele origin: germline.
Comment: This sequence change replaces leucine, which is neutral and non-polar, with proline, which is neutral and non-polar, at codon 427 of the SLC45A2 protein (p.Leu427Pro). For these reasons, this variant has been classified as Pathogenic. This variant disrupts the p.Leu427 amino acid residue in SLC45A2. Other variant(s) that disrupt this residue have been observed in individuals with SLC45A2-related conditions (PMID: 29345414), which suggests that this may be a clinically significant amino acid residue. Advanced modeling of protein sequence and biophysical properties (such as structural, functional, and spatial information, amino acid conservation, physicochemical variation, residue mobility, and thermodynamic stability) performed at Invitae indicates that this missense variant is not expected to disrupt SLC45A2 protein function. ClinVar contains an entry for this variant (Variation ID: 1451393). This missense change has been observed in individuals with ocular albinism (PMID: 20861488, 27734839). This variant is present in population databases (rs759043037, gnomAD 0.004%).

Women's Health and Genetics/Laboratory Corporation of America, LabCorp
Classification: Pathogenic for Oculocutaneous albinism type 4. Last evaluated: 2023-05-26. Review status: criteria provided, single submitter. Criteria: LabCorp Variant Classification Summary - May 2015. Collection method: clinical testing. Allele origin: germline.
Comment: Variant summary: SLC45A2 c.1280T>C (p.Leu427Pro) results in a non-conservative amino acid change in the encoded protein sequence. Five of five in-silico tools predict a damaging effect of the variant on protein function. The variant allele was found at a frequency of 2e-05 in 251490 control chromosomes (gnomAD). c.1280T>C has been reported in the literature in multiple individuals affected with albinism (Gargiolo_2011, Mauri_2017), including compound heterozygous individuals and a homozygous individual. These data indicate that the variant is very likely to be associated with disease. Another missense variant affecting the same amino acid (p.Leu427Arg) was found in an albinism patient in trans with another variant that has been classified as pathogenic in ClinVar (PMID: 29345414), suggesting this is a functionally important residue. To our knowledge, no experimental evidence demonstrating an impact on protein function has been reported. The following publications have been ascertained in the context of this evaluation (PMID: 20861488, 27734839). One clinical diagnostic laboratory has submitted a clinical-significance assessment for this variant to ClinVar after 2014, and classified it as pathogenic. Based on the evidence outlined above, the variant was classified as pathogenic.

Literature cited by the submitters: PubMed 27734839 (cited by 3 submitters); PubMed 29345414 (cited by 3billion and Labcorp Genetics (formerly Invitae), Labcorp); PubMed 20861488 (cited by 3 submitters).